The following is an entry in ClinVar:

ClinVar aggregate classification (germline): Uncertain significance (1 of 4 stars; one submission).

Allele frequency attached by ClinVar (database versions not stated): gnomAD exomes below 0.00001.
gnomAD v4.1: 2 of 1,613,404 alleles (0.00012%); no homozygotes.

Submission:

Women's Health and Genetics/Laboratory Corporation of America, LabCorp
Classification: Uncertain significance. Last evaluated: 2023-02-17. Review status: criteria provided, single submitter. Criteria: LabCorp Variant Classification Summary - May 2015. Collection method: clinical testing. Allele origin: germline.
Comment: Variant summary: ABCC9 c.143-1G>C is located in a canonical splice-site and is predicted to affect mRNA splicing resulting in a significantly altered protein due to either exon skipping, shortening, or inclusion of intronic material. Several computational tools predict a significant impact on normal splicing: Four predict the variant abolishes a canonical 3' acceptor site. However, these predictions have yet to be confirmed by functional studies. The variant was absent in 251280 control chromosomes (gnomAD). The available data on variant occurrences in the general population are insufficient to allow any conclusion about variant significance. To our knowledge, no occurrence of c.143-1G>C in individuals affected with Cardiomyopathy and no experimental evidence demonstrating its impact on protein function have been reported. No clinical diagnostic laboratories have submitted clinical-significance assessments for this variant to ClinVar after 2014. Based on the evidence outlined above, the variant was classified as uncertain significance.

NM_020297.4(ABCC9):c.143-1G>C

Gene: ABCC9 (ATP binding cassette subfamily C member 9; minus strand). Cytogenetic location: 12p12.1.
Variant type: single nucleotide variant.
Coding change: c.143-1G>C on transcript NM_020297.4 (MANE Select); the canonical splice acceptor site of the intron before coding-DNA position 143, G replaced by C.
Molecular consequence: splice acceptor variant.
Genome position (GRCh38, 1-based): chr12:21,933,924, C>G on the plus strand (G>C on the coding strand, the complement: ABCC9 is on the minus strand). VCF-style: chr12-21933924-C-G. GRCh37 (hg19) VCF-style: chr12-22086858-C-G.
Other names: c.-312-1G>C (NM_001377274.1); c.143-1G>C (NM_005691.4, NM_001377273.1).
Identifiers: ClinVar variation 2445892 (VCV002445892.1), dbSNP rs866132559, ClinGen allele CA384132005.